The following is an entry in ClinVar:

ClinVar aggregate classification (germline): Uncertain significance. Review status: criteria provided, multiple submitters, no conflicts (2 of 4 stars). 2 submissions from 2 submitters: Uncertain significance (2). Last evaluated 2024-09-27.

Conditions:
Nephronophthisis. Also called: Juvenile Nephronophthisis. Identifiers: Orphanet 655, MedGen C0687120, MONDO:0019005, HP:0000090.

Allele frequency attached by ClinVar (database versions not stated): TOPMed 0.00002; gnomAD exomes below 0.00001; gnomAD 0.00001.
gnomAD v4.1: 8 of 1,613,662 alleles (0.0005%); highest among the groups gnomAD compares: Non-Finnish European, 0.00068%; no homozygotes.

Submissions (2):

Women's Health and Genetics/Laboratory Corporation of America, LabCorp
Classification: Uncertain significance. Last evaluated: 2024-09-27. Review status: criteria provided, single submitter. Criteria: LabCorp Variant Classification Summary - May 2015. Collection method: clinical testing. Allele origin: germline.
Comment: Variant summary: INVS c.433C>A (p.Gln145Lys) results in a conservative amino acid change located in the Ankyrin repeat domain (IPR002110) of the encoded protein sequence. Three of five in-silico tools predict a benign effect of the variant on protein function. The variant allele was found at a frequency of 4e-06 in 251128 control chromosomes. The available data on variant occurrences in the general population are insufficient to allow any conclusion about variant significance. To our knowledge, no occurrence of c.433C>A in individuals affected with Infantile Nephronophthisis and no experimental evidence demonstrating its impact on protein function have been reported. ClinVar contains an entry for this variant (Variation ID: 859088). Based on the evidence outlined above, the variant was classified as uncertain significance.

Labcorp Genetics (formerly Invitae), Labcorp
Classification: Uncertain significance for Nephronophthisis. Last evaluated: 2021-08-27. Review status: criteria provided, single submitter. Criteria: Invitae Variant Classification Sherloc (09022015). Collection method: clinical testing. Allele origin: germline.
Comment: This sequence change replaces glutamine with lysine at codon 145 of the INVS protein (p.Gln145Lys). The glutamine residue is highly conserved and there is a small physicochemical difference between glutamine and lysine. This variant is not present in population databases (ExAC no frequency). This variant has not been reported in the literature in individuals affected with INVS-related conditions. Algorithms developed to predict the effect of missense changes on protein structure and function (SIFT, PolyPhen-2, Align-GVGD) all suggest that this variant is likely to be disruptive. In summary, the available evidence is currently insufficient to determine the role of this variant in disease. Therefore, it has been classified as a Variant of Uncertain Significance.

NM_014425.5(INVS):c.433C>A (p.Gln145Lys)

Gene: INVS (inversin; plus strand). Cytogenetic location: 9q31.1.
Variant type: single nucleotide variant.
Coding change: c.433C>A on transcript NM_014425.5 (MANE Select); coding-DNA position 433, C replaced by A.
Protein change: p.Gln145Lys; replaces glutamine 145 with lysine.
Molecular consequence: missense variant. On other transcripts: 5 prime UTR variant (1), non-coding transcript variant (1).
Genome position (GRCh38, 1-based): chr9:100,226,221, C>A. VCF-style: chr9-100226221-C-A. GRCh37 (hg19) VCF-style: chr9-102988503-C-A.
Other names: c.145C>A, p.Gln49Lys (NM_001318381.2); c.-557C>A (NM_001318382.2); short protein forms Q145K, Q49K.
Identifiers: ClinVar variation 859088 (VCV000859088.8), dbSNP rs745703727, ClinGen allele CA197184971.